The following is an entry in ClinVar:

ClinVar aggregate classification (germline): Uncertain significance (1 of 4 stars; one submission).

gnomAD v4.1: 1 of 1,614,052 alleles (0.000062%); no homozygotes.

Submission:

Labcorp Genetics (formerly Invitae), Labcorp
Classification: Uncertain significance. Last evaluated: 2024-04-16. Review status: criteria provided, single submitter. Criteria: Invitae Variant Classification Sherloc (09022015). Collection method: clinical testing. Allele origin: germline.
Comment: This sequence change replaces leucine, which is neutral and non-polar, with isoleucine, which is neutral and non-polar, at codon 1256 of the C5 protein (p.Leu1256Ile). This variant is not present in population databases (gnomAD no frequency). This variant has not been reported in the literature in individuals affected with C5-related conditions. Advanced modeling of protein sequence and biophysical properties (such as structural, functional, and spatial information, amino acid conservation, physicochemical variation, residue mobility, and thermodynamic stability) performed at Invitae indicates that this missense variant is expected to disrupt C5 protein function with a positive predictive value of 80%. In summary, the available evidence is currently insufficient to determine the role of this variant in disease. Therefore, it has been classified as a Variant of Uncertain Significance.

NM_001735.3(C5):c.3766C>A (p.Leu1256Ile)

Gene: C5 (complement C5; minus strand). Cytogenetic location: 9q33.2.
Variant type: single nucleotide variant.
Coding change: c.3766C>A on transcript NM_001735.3 (MANE Select); coding-DNA position 3766, C replaced by A.
Protein change: p.Leu1256Ile; replaces leucine 1256 with isoleucine.
Molecular consequence: missense variant.
Genome position (GRCh38, 1-based): chr9:120,976,798, G>T on the plus strand (C>A on the coding strand, the complement: C5 is on the minus strand). VCF-style: chr9-120976798-G-T. GRCh37 (hg19) VCF-style: chr9-123739076-G-T.
Other names: c.3784C>A, p.Leu1262Ile (NM_001317163.2); short protein forms L1256I, L1262I.
Identifiers: ClinVar variation 3683722 (VCV003683722.2).